The following is an entry in ClinVar:

ClinVar aggregate classification (germline): Conflicting classifications of pathogenicity. Review status: criteria provided, conflicting classifications (1 of 4 stars). 3 submissions from 3 submitters: Uncertain significance (1); Likely benign (2). Last evaluated 2025-03-25.

Conditions:
TALDO1-related disorder. Also called: TALDO1-related condition.
Deficiency of transaldolase. Also called: EYAID SYNDROME. Identifiers: Orphanet 101028, MedGen C1291329, MONDO:0011624, OMIM 606003.

Allele frequency attached by ClinVar (database versions not stated): gnomAD 0.00008; TOPMed 0.00009; gnomAD exomes 0.00012; ExAC 0.00017.

Submissions (3):

Mayo Clinic Laboratories, Mayo Clinic
Classification: Likely benign. Last evaluated: 2025-03-25. Review status: criteria provided, single submitter. Criteria: ACMG Guidelines, 2015. Collection method: clinical testing. Allele origin: germline. Observed: 1 variant allele.
Comment: BS1, BP4, BP7

PreventionGenetics, part of Exact Sciences
Classification: Likely benign for TALDO1-related condition. Last evaluated: 2025-01-23. Review status: criteria provided, single submitter. Criteria: ACMG Guidelines, 2015. Collection method: clinical testing. Allele origin: germline.
Comment: This variant is classified as likely benign based on ACMG/AMP sequence variant interpretation guidelines (Richards et al. 2015 PMID: 25741868, with internal and published modifications).

Illumina Laboratory Services, Illumina
Classification: Uncertain significance for Deficiency of transaldolase. Last evaluated: 2018-01-13. Review status: criteria provided, single submitter. Criteria: ICSL Variant Classification Criteria 13 December 2019. Collection method: clinical testing. Allele origin: germline.

NM_006755.2(TALDO1):c.-6C>T

Gene: TALDO1 (transaldolase 1; plus strand). Cytogenetic location: 11p15.5.
Variant type: single nucleotide variant.
Coding change: c.-6C>T on transcript NM_006755.2 (MANE Select); 6 bases upstream of the start codon, C replaced by T.
Molecular consequence: 5 prime UTR variant.
Genome position (GRCh38, 1-based): chr11:747,476, C>T. VCF-style: chr11-747476-C-T. GRCh37 (hg19) VCF-style: chr11-747476-C-T.
Identifiers: ClinVar variation 883045 (VCV000883045.6), dbSNP rs762014857, ClinGen allele CA5787974.